The following is an entry in ClinVar:

ClinVar aggregate classification (germline): Conflicting classifications of pathogenicity. Review status: criteria provided, conflicting classifications (1 of 4 stars). 3 submissions from 3 submitters: Likely pathogenic (1); Uncertain significance (2). Last evaluated 2023-05-20.

Conditions:
Neurodevelopmental disorder with hypotonia, seizures, and absent language (NDHSAL). Identifiers: MedGen C4310643, MONDO:0014995, OMIM 617268.

Allele frequency attached by ClinVar (database versions not stated): ExAC 0.00001; gnomAD exomes 0.00001; TOPMed 0.00001; ESP Exome Variant Server 0.00008.
gnomAD v4.1: 22 of 1,576,548 alleles (0.0014%); highest among the groups gnomAD compares: African/African-American, 0.0028%; no homozygotes.

Submissions (3):

Neuberg Centre For Genomic Medicine, NCGM
Classification: Uncertain significance for Neurodevelopmental disorder with hypotonia, seizures, and absent language. Last evaluated: 2023-05-20. Review status: criteria provided, single submitter. Criteria: ACMG Guidelines, 2015. Collection method: clinical testing. Allele origin: germline. Inheritance: Autosomal dominant inheritance. Affected: yes.
Comment: The observed missense c.4436G>A(p.Arg1479Gln) variant in HECW2 gene has been reported previously in heterozygous state in individual(s) affected with Epilepsy, Developmental Decline, and Intellectual Disability (Ullman et al., 2018). This variant is reported with the allele frequency of 0.0009% in the gnomAD Exomes. This variant has been reported to the ClinVar database as Likely Pathogenic. However, no details are available for independent assessment. The amino acid Arg at position 1479 is changed to a Gln changing protein sequence and it might alter its composition and physico-chemical properties. The amino acid change p.Arg1479Gln in HECW2 is predicted as conserved by GERP++ and PhyloP across 100 vertebrates. Computational evidence (Polyphen - Damagin, SIFT - Tolerated, and MutationTaster - Disease causing) predicts conflicting evidence on protein structure and function for this variant. For these reasons, this variant has been classified as Uncertain Significance.

Blueprint Genetics
Classification: Uncertain significance. Last evaluated: 2023-02-09. Review status: criteria provided, single submitter. Criteria: ACMG Guidelines, 2015. Collection method: clinical testing. Allele origin: germline.

Center for Pediatric Genomic Medicine, Children's Mercy Hospital and Clinics
Classification: Likely pathogenic. Last evaluated: 2017-01-13. Review status: criteria provided, single submitter. Criteria: ACMG Guidelines, 2015. Collection method: clinical testing. Allele origin: de novo.

NM_001348768.2(HECW2):c.4436G>A (p.Arg1479Gln)

Gene: HECW2 (HECT, C2 and WW domain containing E3 ubiquitin protein ligase 2; minus strand). Cytogenetic location: 2q32.3.
Variant type: single nucleotide variant.
Coding change: c.4436G>A on transcript NM_001348768.2 (MANE Select); coding-DNA position 4436, G replaced by A.
Protein change: p.Arg1479Gln; replaces arginine 1479 with glutamine.
Molecular consequence: missense variant.
Genome position (GRCh38, 1-based): chr2:196,217,066, C>T on the plus strand (G>A on the coding strand, the complement: HECW2 is on the minus strand). VCF-style: chr2-196217066-C-T. GRCh37 (hg19) VCF-style: chr2-197081790-C-T.
Other names: c.3368G>A, p.Arg1123Gln (NM_001304840.3); c.4436G>A, p.Arg1479Gln (NM_020760.4); short protein forms R1123Q, R1479Q.
Identifiers: ClinVar variation 377153 (VCV000377153.4), dbSNP rs143511416, ClinGen allele CA2037509.
Genomic context (GRCh38, chr2:196,217,066, plus strand): 5'-ACCTGTAACAACCTTAGTCGTTGTTCATTGTTGAATCTTTCCACTGCAGCCCAGAACCAC[C>T]GAATTACAATATGATTGTCATGGTATCCTATCAAACCAATCATAAAAGCCCATGTTACTT-3'
Protein context (NP_001335697.1, residues 1469-1489): GGYHDNHIVI[Arg1479Gln]WFWAAVERFN